The following is an entry in ClinVar:

ClinVar aggregate classification (germline): Pathogenic (1 of 4 stars; one submission).

Conditions:
Propionic acidemia (PROP). Also called: GLYCINEMIA, KETOTIC; HYPERGLYCINEMIA WITH KETOACIDOSIS AND LEUKOPENIA; KETOTIC HYPERGLYCINEMIA. Identifiers: Orphanet 35, MedGen C0268579, MONDO:0011628, OMIM 606054, HP:0003571.

Submission:

Labcorp Genetics (formerly Invitae), Labcorp
Classification: Pathogenic for Propionic acidemia. Last evaluated: 2024-01-16. Review status: criteria provided, single submitter. Criteria: Invitae Variant Classification Sherloc (09022015). Collection method: clinical testing. Allele origin: germline.
Comment: This variant is a gross deletion of the genomic region encompassing exon(s) 10 of the PCCB gene. This deletion is out-of-frame, and is expected to create a premature termination codon and result in an absent or disrupted protein product. Loss-of-function variants in PCCB are known to be pathogenic (PMID: 15464417). This variant has not been reported in the literature in individuals affected with PCCB-related conditions. For these reasons, this variant has been classified as Pathogenic.

Literature cited by the submitters: PubMed 15464417.

NC_000003.12:g.(?_136316921)_(136317084_?)del

Gene: PCCB (propionyl-CoA carboxylase subunit beta; plus strand). Cytogenetic location: 3q22.3.
Variant type: Deletion.
Identifiers: ClinVar variation 831645 (VCV000831645.8).